The following is an entry in ClinVar:

NM_003611.3(OFD1):c.312+2T>C

Gene: OFD1 (OFD1 centriole and centriolar satellite protein; plus strand). Cytogenetic location: Xp22.2.
Variant type: single nucleotide variant.
Coding change: c.312+2T>C on transcript NM_003611.3 (MANE Select); the canonical splice donor site of the intron after coding-DNA position 312, T replaced by C.
Molecular consequence: splice donor variant.
Genome position (GRCh38, 1-based): chrX:13,736,680, T>C. VCF-style: chrX-13736680-T-C. GRCh37 (hg19) VCF-style: chrX-13754799-T-C.
Other names: c.-234+2T>C (NM_001330210.2); c.312+2T>C (NM_001330209.2).
Identifiers: ClinVar variation 3382786 (VCV003382786.2).

ClinVar aggregate classification (germline): Uncertain significance (1 of 4 stars; one submission).

Conditions:
Joubert syndrome 10 (JBTS10). Identifiers: Orphanet 2754, MedGen C2749019, MONDO:0010431, OMIM 300804.
Orofaciodigital syndrome I (OFD1). Also called: OFDS I; Oral-Facial-Digital Syndrome Type I; Papillon-Leage and Psaume Syndrome. Identifiers: Orphanet 2750, MedGen C1510460, MONDO:0010702, OMIM 311200.
Retinitis pigmentosa 23 (RP23). Identifiers: Orphanet 791, MedGen C1419610, MONDO:0010320, OMIM 300424.
Simpson-Golabi-Behmel syndrome type 2. Identifiers: Orphanet 79022, MedGen C1846175, MONDO:0010265, OMIM 300209.

Submission:

Juno Genomics, Hangzhou Juno Genomics, Inc
Classification: Uncertain significance for Retinitis pigmentosa 23; Joubert syndrome 10; Orofaciodigital syndrome I; Simpson-Golabi-Behmel syndrome type 2. Review status: criteria provided, single submitter. Criteria: ACMG Guidelines, 2015. Collection method: clinical testing. Allele origin: germline. Affected: yes.
Comment: Absent from controls (or at extremely low frequency if recessive) in Genome Aggregation Database, Exome Sequencing Project, 1000 Genomes Project, or Exome Aggregation Consortium.;De novo (both maternity and paternity confirmed) in a patient with the disease and no family history.;Null variant in a gene where loss of function (LOF) is a known mechanism of disease.